The following is an entry in ClinVar:

ClinVar aggregate classification (germline): Uncertain significance (1 of 4 stars; one submission).

Conditions:
Branched-chain keto acid dehydrogenase kinase deficiency (BCKDKD). Also called: BCKDK DEFICIENCY. Identifiers: Orphanet 308410, MedGen C3554078, MONDO:0013970, OMIM 614923.

Submission:

Labcorp Genetics (formerly Invitae), Labcorp
Classification: Uncertain significance for Branched-chain keto acid dehydrogenase kinase deficiency. Last evaluated: 2022-08-16. Review status: criteria provided, single submitter. Criteria: Invitae Variant Classification Sherloc (09022015). Collection method: clinical testing. Allele origin: germline.
Comment: In summary, the available evidence is currently insufficient to determine the role of this variant in disease. Therefore, it has been classified as a Variant of Uncertain Significance. Algorithms developed to predict the effect of missense changes on protein structure and function output the following: SIFT: "Tolerated"; PolyPhen-2: "Benign"; Align-GVGD: "Class C0". The glutamine amino acid residue is found in multiple mammalian species, which suggests that this missense change does not adversely affect protein function. This variant has not been reported in the literature in individuals affected with BCKDK-related conditions. This variant is not present in population databases (gnomAD no frequency). This sequence change replaces histidine, which is basic and polar, with glutamine, which is neutral and polar, at codon 39 of the BCKDK protein (p.His39Gln).

NM_005881.4(BCKDK):c.117C>G (p.His39Gln)

Gene: BCKDK (branched chain keto acid dehydrogenase kinase; plus strand). Cytogenetic location: 16p11.2.
Variant type: single nucleotide variant.
Coding change: c.117C>G on transcript NM_005881.4 (MANE Select); coding-DNA position 117, C replaced by G.
Protein change: p.His39Gln; replaces histidine 39 with glutamine.
Molecular consequence: missense variant.
Genome position (GRCh38, 1-based): chr16:31,109,340, C>G. VCF-style: chr16-31109340-C-G. GRCh37 (hg19) VCF-style: chr16-31120661-C-G.
Other names: c.117C>G, p.His39Gln (NM_001122957.4, NM_001271926.3); short protein forms H39Q.
Identifiers: ClinVar variation 1943284 (VCV001943284.5), dbSNP rs896857362, ClinGen allele CA395652844.